The following is an entry in ClinVar:

ClinVar aggregate classification (germline): Uncertain significance. Review status: criteria provided, multiple submitters, no conflicts (2 of 4 stars). 3 submissions from 3 submitters: Uncertain significance (3). Last evaluated 2026-01-09.

Conditions:
Familial thoracic aortic aneurysm and aortic dissection (TAAD). Also called: Thoracic aortic aneurysms and dissections. Identifiers: Orphanet 91387, MedGen C4707243, MONDO:0019625.
Heterotopia, periventricular, X-linked dominant (PVNH1). Also called: PERIVENTRICULAR NODULAR HETEROTOPIA 1; X-linked periventricular heterotopia; PERIVENTRICULAR NODULAR HETEROTOPIA 4; HETEROTOPIA, PERIVENTRICULAR, 1. Identifiers: Orphanet 2149, Orphanet 82004, MedGen C1848213, MONDO:0010233, OMIM 300049.
Oto-palato-digital syndrome, type II (OPD2). Also called: FACIOPALATOOSSEOUS SYNDROME; OPD II SYNDROME; Otopalatodigital Syndrome Type 2 (FLNA-OPD2); Otopalatodigital Syndrome, Type II. Identifiers: Orphanet 669, Orphanet 90652, MedGen C1844696, MONDO:0010571, OMIM 304120.
Frontometaphyseal dysplasia (FMD1). Identifiers: Orphanet 1826, MedGen C0265293, MONDO:0015942.
Melnick-Needles syndrome (MNS). Also called: MELNICK-NEEDLES OSTEODYSPLASTY; OSTEODYSPLASTY OF MELNICK AND NEEDLES; Melnick-Needles Syndrome (FLNA-MNS). Identifiers: Orphanet 2484, MedGen C0025237, MONDO:0010650, OMIM 309350.

Submissions (3):

Labcorp Genetics (formerly Invitae), Labcorp
Classification: Uncertain significance for Oto-palato-digital syndrome, type II; Heterotopia, periventricular, X-linked dominant; Frontometaphyseal dysplasia; Melnick-Needles syndrome. Last evaluated: 2026-01-09. Review status: criteria provided, single submitter. Criteria: Invitae Variant Classification Sherloc (09022015). Collection method: clinical testing. Allele origin: germline.
Comment: This sequence change replaces serine, which is neutral and polar, with arginine, which is basic and polar, at codon 1551 of the FLNA protein (p.Ser1551Arg). This variant is not present in population databases (gnomAD no frequency). This variant has not been reported in the literature in individuals affected with FLNA-related conditions. ClinVar contains an entry for this variant (Variation ID: 450444). Invitae Evidence Modeling of protein sequence and biophysical properties (such as structural, functional, and spatial information, amino acid conservation, physicochemical variation, residue mobility, and thermodynamic stability) indicates that this missense variant is not expected to disrupt FLNA protein function with a negative predictive value of 95%. In summary, the available evidence is currently insufficient to determine the role of this variant in disease. Therefore, it has been classified as a Variant of Uncertain Significance.

Ambry Genetics
Classification: Uncertain significance for Familial thoracic aortic aneurysm and aortic dissection. Last evaluated: 2025-10-30. Review status: criteria provided, single submitter. Criteria: Ambry Variant Classification Scheme 2023. Collection method: clinical testing. Allele origin: germline.
Comment: The p.S1551R variant (also known as c.4651A>C), located in coding exon 27 of the FLNA gene, results from an A to C substitution at nucleotide position 4651. The serine at codon 1551 is replaced by arginine, an amino acid with dissimilar properties. This amino acid position is highly conserved in available vertebrate species. In addition, this alteration is predicted to be deleterious by in silico analysis. Based on the available evidence, the clinical significance of this variant remains unclear.

GeneDx
Classification: Uncertain significance. Last evaluated: 2025-06-05. Review status: criteria provided, single submitter. Criteria: GeneDx Variant Classification Process June 2021. Collection method: clinical testing. Allele origin: germline. Affected: yes.
Comment: Not observed in large population cohorts (gnomAD); In silico analysis supports that this missense variant has a deleterious effect on protein structure/function; Has not been previously published as pathogenic or benign to our knowledge

NM_001110556.2(FLNA):c.4651A>C (p.Ser1551Arg)

Gene: FLNA (filamin A; minus strand). Cytogenetic location: Xq28.
Variant type: single nucleotide variant.
Coding change: c.4651A>C on transcript NM_001110556.2 (MANE Select); coding-DNA position 4651, A replaced by C.
Protein change: p.Ser1551Arg; replaces serine 1551 with arginine.
Molecular consequence: missense variant.
Genome position (GRCh38, 1-based): chrX:154,358,303, T>G on the plus strand (A>C on the coding strand, the complement: FLNA is on the minus strand). VCF-style: chrX-154358303-T-G. GRCh37 (hg19) VCF-style: chrX-153586671-T-G.
Other names: c.4651A>C, p.Ser1551Arg (NM_001456.4); short protein forms S1551R.
Identifiers: ClinVar variation 450444 (VCV000450444.9), dbSNP rs1557177249, ClinGen allele CA415214928.